The following is an entry in ClinVar:

ClinVar aggregate classification (germline): Uncertain significance (1 of 4 stars; one submission).

Submission:

Labcorp Genetics (formerly Invitae), Labcorp
Classification: Uncertain significance. Last evaluated: 2023-10-05. Review status: criteria provided, single submitter. Criteria: Invitae Variant Classification Sherloc (09022015). Collection method: clinical testing. Allele origin: germline.
Comment: This sequence change replaces leucine, which is neutral and non-polar, with isoleucine, which is neutral and non-polar, at codon 101 of the NT5C3A protein (p.Leu101Ile). This variant is not present in population databases (gnomAD no frequency). This variant has not been reported in the literature in individuals affected with NT5C3A-related conditions. Advanced modeling of protein sequence and biophysical properties (such as structural, functional, and spatial information, amino acid conservation, physicochemical variation, residue mobility, and thermodynamic stability) performed at Invitae indicates that this missense variant is not expected to disrupt NT5C3A protein function. In summary, the available evidence is currently insufficient to determine the role of this variant in disease. Therefore, it has been classified as a Variant of Uncertain Significance.

NM_001002010.5(NT5C3A):c.403C>A (p.Leu135Ile)

Gene: NT5C3A (5'-nucleotidase, cytosolic IIIA; minus strand). Cytogenetic location: 7p14.3.
Variant type: single nucleotide variant.
Coding change: c.403C>A on transcript NM_001002010.5 (MANE Select); coding-DNA position 403, C replaced by A.
Protein change: p.Leu135Ile; replaces leucine 135 with isoleucine.
Molecular consequence: missense variant.
Genome position (GRCh38, 1-based): chr7:33,021,309, G>T on the plus strand (C>A on the coding strand, the complement: NT5C3A is on the minus strand). VCF-style: chr7-33021309-G-T. GRCh37 (hg19) VCF-style: chr7-33060921-G-T.
Other names: c.403C>A, p.Leu135Ile (NM_001374338.1); c.202C>A, p.Leu68Ile (NM_001374339.1); c.301C>A, p.Leu101Ile (NM_016489.14, NM_001002009.3); c.265C>A, p.Leu89Ile (NM_001166118.3, NM_001356996.3, NM_001374336.1 and 1 more transcripts); c.304C>A, p.Leu102Ile (NM_001374335.1); short protein forms L101I, L102I, L68I, L89I, L135I.
Identifiers: ClinVar variation 2766130 (VCV002766130.3), dbSNP rs2534703450, ClinGen allele CA367192661.